The following is an entry in ClinVar:

NM_019066.5(MAGEL2):c.1386_1427del (p.Ala463_Pro476del)

Gene: MAGEL2 (MAGE family member L2; minus strand). Cytogenetic location: 15q11.2.
Variant type: Deletion.
Coding change: c.1386_1427del on transcript NM_019066.5 (MANE Select); coding-DNA positions 1386 to 1427, 42 bases deleted.
Protein change: p.Ala463_Pro476del.
Molecular consequence: inframe deletion.
Genome position (GRCh38, 1-based): chr15:23,646,316-23,646,357, 42 bases deleted; deleting any 42 consecutive bases within chr15:23,646,316-23,646,374 gives the same sequence; the c. name uses the placement nearest the transcript's 3' end. GRCh37 (hg19): chr15:23,891,480-23,891,521.
Other names: c.1386_1427del42 (NM_019066.4).
Identifiers: ClinVar variation 2443560 (VCV002443560.9), dbSNP rs1227747718, ClinGen allele CA617084256.
Genomic context (GRCh38, chr15:23,646,315, plus strand): 5'-CGCCTGGCGGATCAGCGGCGGGGCCTGGCGGATCACAGGTGGAGCCTGGCGGATCACAGG[TGGGGCCTGGCGGATCACAGGTGGGGCCTGGCGGATCACAGCG>T]GGGGCCTGGCGGATCACGGGTGGGGCCTGGCGGATCACGGGTGGGGCCTGGCGGATCACC-3'

ClinVar aggregate classification (germline): Uncertain significance. Review status: criteria provided, multiple submitters, no conflicts (2 of 4 stars). 5 submissions from 5 submitters: Uncertain significance (4). 1 of the submissions does not count toward it. Last evaluated 2024-11-04.

Conditions:
Schaaf-Yang syndrome (SHFYNG). Also called: MAGEL2-related Prader-Willi-like syndrome; Arthrogryposis, distal, with hypopituitarism, intellectual disability, and facial anomalies. Identifiers: Orphanet 398069, MedGen C5575066, MONDO:0014243, OMIM 615547.
MAGEL2-related disorder. Also called: MAGEL2-related condition.
Inborn genetic diseases. Identifiers: MedGen C0950123, MeSH D030342.

Submissions (5):

Ambry Genetics
Classification: Uncertain significance for Inborn genetic diseases. Last evaluated: 2024-11-04. Review status: criteria provided, single submitter. Criteria: Ambry Variant Classification Scheme 2023. Collection method: clinical testing. Allele origin: germline.
Comment: The c.1386_1427del42 (p.A463_P476del) alteration is located in exon 1 (coding exon 1) of the MAGEL2 gene. This alteration consists of an in-frame deletion of 42 nucleotides between nucleotide positions c.1386 and c.1427, resulting in the deletion of 14 residues. Based on insufficient or conflicting evidence, the clinical significance of this alteration remains unclear.

Labcorp Genetics (formerly Invitae), Labcorp
Classification: Uncertain significance. Last evaluated: 2023-12-13. Review status: criteria provided, single submitter. Criteria: Invitae Variant Classification Sherloc (09022015). Collection method: clinical testing. Allele origin: germline.
Comment: This variant, c.1386_1427del, results in the deletion of 14 amino acid(s) of the MAGEL2 protein (p.Ala463_Pro476del), but otherwise preserves the integrity of the reading frame. This variant is present in population databases (no rsID available, gnomAD 0.06%). This variant has not been reported in the literature in individuals affected with MAGEL2-related conditions. ClinVar contains an entry for this variant (Variation ID: 2443560). Experimental studies and prediction algorithms are not available or were not evaluated, and the functional significance of this variant is currently unknown. In summary, the available evidence is currently insufficient to determine the role of this variant in disease. Therefore, it has been classified as a Variant of Uncertain Significance.

GeneDx
Classification: Uncertain significance. Last evaluated: 2022-09-08. Review status: criteria provided, single submitter. Criteria: GeneDx Variant Classification Process June 2021. Collection method: clinical testing. Allele origin: germline. Affected: yes.
Comment: Not observed at significant frequency in large population cohorts (gnomAD); In-frame deletion of 14 amino acids in a non-repeat region; In silico analysis supports a deleterious effect on protein structure/function; Has not been previously published as pathogenic or benign to our knowledge

Juno Genomics, Hangzhou Juno Genomics, Inc
Classification: Uncertain significance for Schaaf-Yang syndrome. Review status: criteria provided, single submitter. Criteria: ACMG Guidelines, 2015. Collection method: clinical testing. Allele origin: germline.
Comment: Absent from controls (or at extremely low frequency if recessive) in Genome Aggregation Database.;Protein length changes due to in-frame deletions/insertions in a non-repeat region or stop-loss variants.

PreventionGenetics, part of Exact Sciences
Classification: Uncertain significance for MAGEL2-related condition. Last evaluated: 2024-06-10. Review status: no assertion criteria provided. Collection method: clinical testing. Allele origin: germline. Not counted in ClinVar's aggregate classification.
Comment: The MAGEL2 c.1386_1427del42 variant is predicted to result in an in-frame deletion (p.Ala463_Pro476del). To our knowledge, this variant has not been reported in the literature. This variant is reported in 0.064% of alleles in individuals of Latino descent in gnomAD. At this time, the clinical significance of this variant is uncertain due to the absence of conclusive functional and genetic evidence.